The following is an entry in ClinVar:

ClinVar aggregate classification (germline): Uncertain significance (1 of 4 stars; one submission).

Conditions:
Developmental and epileptic encephalopathy, 11 (DEE11). Also called: Early infantile epileptic encephalopathy 11. Identifiers: Orphanet 1934, MedGen C3150987, MONDO:0013388, OMIM 613721.
Seizures, benign familial infantile, 3 (BFIS3). Also called: CONVULSIONS, BENIGN FAMILIAL INFANTILE, 3; Familial neonatal seizures. Identifiers: Orphanet 140927, Orphanet 306, MedGen C1843140, MONDO:0011904, OMIM 607745.

Submission:

Labcorp Genetics (formerly Invitae), Labcorp
Classification: Uncertain significance for Seizures, benign familial infantile, 3; Developmental and epileptic encephalopathy, 11. Last evaluated: 2025-10-13. Review status: criteria provided, single submitter. Criteria: Invitae Variant Classification Sherloc (09022015). Collection method: clinical testing. Allele origin: germline.
Comment: This sequence change replaces methionine, which is neutral and non-polar, with valine, which is neutral and non-polar, at codon 133 of the SCN2A protein (p.Met133Val). This variant is not present in population databases (gnomAD no frequency). This variant has not been reported in the literature in individuals affected with SCN2A-related conditions. ClinVar contains an entry for this variant (Variation ID: 2095618). An algorithm developed to predict the effect of missense changes on protein structure and function outputs the following: PolyPhen-2: "Benign". The valine amino acid residue is found in multiple mammalian species, which suggests that this missense change does not adversely affect protein function. In summary, the available evidence is currently insufficient to determine the role of this variant in disease. Therefore, it has been classified as a Variant of Uncertain Significance.

NM_001040142.2(SCN2A):c.397A>G (p.Met133Val)

Gene: SCN2A (sodium voltage-gated channel alpha subunit 2; plus strand). Cytogenetic location: 2q24.3.
Variant type: single nucleotide variant.
Coding change: c.397A>G on transcript NM_001040142.2 (MANE Select); coding-DNA position 397, A replaced by G.
Protein change: p.Met133Val; replaces methionine 133 with valine.
Molecular consequence: missense variant.
Genome position (GRCh38, 1-based): chr2:165,307,858, A>G. VCF-style: chr2-165307858-A-G. GRCh37 (hg19) VCF-style: chr2-166164368-A-G.
Other names: c.397A>G, p.Met133Val (NM_001040143.2, NM_001371246.1, NM_001371247.1 and 1 more transcripts); short protein forms M133V.
Identifiers: ClinVar variation 2095618 (VCV002095618.4), dbSNP rs1697220559, ClinGen allele CA349014864.